The following is an entry in ClinVar:

NM_033026.6(PCLO):c.2396_2397del (p.Ser799fs)

Gene: PCLO (piccolo presynaptic cytomatrix protein; minus strand). Cytogenetic location: 7q21.11.
Variant type: Microsatellite.
Coding change: c.2396_2397del on transcript NM_033026.6 (MANE Select); coding-DNA positions 2396 to 2397, 2 bases deleted (CT; older notation c.2396_2397delCT).
Protein change: p.Ser799fs; shifts the reading frame from serine 799.
Molecular consequence: frameshift variant.
Genome position (GRCh38, 1-based): chr7:83,135,153-83,135,154, AG deleted on the plus strand (CT on the coding strand, the reverse complement: PCLO is on the minus strand); deleting any 2 consecutive bases within chr7:83,135,153-83,135,156 gives the same sequence; the c. name uses the placement nearest the transcript's 3' end. VCF-style (leftmost placement, unchanged base first): chr7-83135152-CAG-C. GRCh37 (hg19) VCF-style: chr7-82764468-CAG-C.
Other names: c.2396_2397del, p.Ser799fs (NM_014510.3); short protein forms S799fs.
Identifiers: ClinVar variation 3648618 (VCV003648618.2).
Genomic context (GRCh38, chr7:83,135,152, plus strand): 5'-CTTTAGAATCAAATGGGCTGACTTTTTCCCCTGTTGGTGGAAAACTCTGTGAGGGTTTGG[CAG>C]AGTCTGTTTTTAGAGGAGGGGTTGTTTTCTCTTCAGCTTGTGACTGTACTTTGGAGCTTG-3'

ClinVar aggregate classification (germline): Pathogenic (1 of 4 stars; one submission).

Submission:

Labcorp Genetics (formerly Invitae), Labcorp
Classification: Pathogenic. Last evaluated: 2024-04-03. Review status: criteria provided, single submitter. Criteria: Invitae Variant Classification Sherloc (09022015). Collection method: clinical testing. Allele origin: germline.
Comment: This sequence change creates a premature translational stop signal (p.Ser799Cysfs*18) in the PCLO gene. It is expected to result in an absent or disrupted protein product. Loss-of-function variants in PCLO are known to be pathogenic (PMID: 25832664, 30287594). This variant is not present in population databases (gnomAD no frequency). This variant has not been reported in the literature in individuals affected with PCLO-related conditions. For these reasons, this variant has been classified as Pathogenic.

Literature cited by the submitters: PubMed 25832664; PubMed 30287594.